The following is an entry in ClinVar:

NM_001904.4(CTNNB1):c.331T>C (p.Ser111Pro)

Genes: CTNNB1 (catenin beta 1; plus strand), LOC126806658 (BRD4-independent group 4 enhancer GRCh37_chr3:41265899-41267098; plus strand). Cytogenetic location: 3p22.1.
Variant type: single nucleotide variant.
Coding change: c.331T>C on transcript NM_001904.4 (MANE Select); coding-DNA position 331, T replaced by C.
Protein change: p.Ser111Pro; replaces serine 111 with proline.
Molecular consequence: missense variant.
Genome position (GRCh38, 1-based): chr3:41,225,043, T>C. VCF-style: chr3-41225043-T-C. GRCh37 (hg19) VCF-style: chr3-41266534-T-C.
Other names: c.331T>C, p.Ser111Pro (NM_001098209.2, NM_001098210.2); c.310T>C, p.Ser104Pro (NM_001330729.2); c.331T>C (NM_001904.3); short protein forms S111P, S104P.
Identifiers: ClinVar variation 1497122 (VCV001497122.9), dbSNP rs2125620159, ClinGen allele CA352229056.
Genomic context (GRCh38, chr3:41,225,043, plus strand): 5'-GCTCAGAGGGTACGAGCTGCTATGTTCCCTGAGACATTAGATGAGGGCATGCAGATCCCA[T>C]CTACACAGTTTGATGCTGCTCATCCCACTAATGTCCAGCGTTTGGCTGAACCATCACAGA-3'
Protein context (NP_001895.1, residues 101-121): ETLDEGMQIP[Ser111Pro]TQFDAAHPTN

ClinVar aggregate classification (germline): Uncertain significance. Review status: criteria provided, multiple submitters, no conflicts (2 of 4 stars). 2 submissions from 2 submitters: Uncertain significance (2). Last evaluated 2025-01-13.

Conditions:
Inborn genetic diseases. Identifiers: MedGen C0950123, MeSH D030342.

Submissions (2):

Ambry Genetics
Classification: Uncertain significance for Inborn genetic diseases. Last evaluated: 2025-01-13. Review status: criteria provided, single submitter. Criteria: Ambry Variant Classification Scheme 2023. Collection method: clinical testing. Allele origin: germline.

Labcorp Genetics (formerly Invitae), Labcorp
Classification: Uncertain significance. Last evaluated: 2024-12-16. Review status: criteria provided, single submitter. Criteria: Invitae Variant Classification Sherloc (09022015). Collection method: clinical testing. Allele origin: germline.
Comment: This sequence change replaces serine, which is neutral and polar, with proline, which is neutral and non-polar, at codon 111 of the CTNNB1 protein (p.Ser111Pro). This variant is not present in population databases (gnomAD no frequency). This variant has not been reported in the literature in individuals affected with CTNNB1-related conditions. ClinVar contains an entry for this variant (Variation ID: 1497122). Invitae Evidence Modeling of protein sequence and biophysical properties (such as structural, functional, and spatial information, amino acid conservation, physicochemical variation, residue mobility, and thermodynamic stability) indicates that this missense variant is not expected to disrupt CTNNB1 protein function with a negative predictive value of 80%. In summary, the available evidence is currently insufficient to determine the role of this variant in disease. Therefore, it has been classified as a Variant of Uncertain Significance.